The following is an entry in ClinVar:

ClinVar aggregate classification (germline): Benign. Review status: criteria provided, multiple submitters, no conflicts (2 of 4 stars). 2 submissions from 2 submitters: Benign (2). Last evaluated 2018-06-19.

Allele frequency attached by ClinVar (database versions not stated): gnomAD 0.21181; TOPMed 0.22795; 1000 Genomes Project 0.24002; 1000 Genomes Project 30x 0.24672.
gnomAD v4.1: 255,998 of 1,600,326 alleles (16%); highest among the groups gnomAD compares: African/African-American, 44%; 25,137 homozygotes.

Submissions (2):

GeneDx
Classification: Benign. Last evaluated: 2018-06-19. Review status: criteria provided, single submitter. Criteria: GeneDx Variant Classification (06012015). Collection method: clinical testing. Allele origin: germline. Affected: yes.
Comment: This variant is considered likely benign or benign based on one or more of the following criteria: it is a conservative change, it occurs at a poorly conserved position in the protein, it is predicted to be benign by multiple in silico algorithms, and/or has population frequency not consistent with disease.

Breakthrough Genomics
Classification: Benign. Review status: criteria provided, single submitter. Criteria: ACMG Guidelines, 2015. Collection method: not provided. Allele origin: germline. Inheritance: Autosomal recessive inheritance. Affected: yes.

NM_000540.3(RYR1):c.4935-53T>G

Gene: RYR1 (ryanodine receptor 1; plus strand). Cytogenetic location: 19q13.2.
Variant type: single nucleotide variant.
Coding change: c.4935-53T>G on transcript NM_000540.3 (MANE Select); 53 bases into the intron before coding-DNA position 4935, T replaced by G.
Molecular consequence: intron variant.
Genome position (GRCh38, 1-based): chr19:38,485,537, T>G. VCF-style: chr19-38485537-T-G. GRCh37 (hg19) VCF-style: chr19-38976177-T-G.
Other names: c.4935-53T>G (NM_001042723.2).
Identifiers: ClinVar variation 669194 (VCV000669194.2), dbSNP rs16972651, ClinGen allele CA14688961.
Genomic context (GRCh38, chr19:38,485,537, plus strand): 5'-ACGAATGAATAAATGGGTGGATAGTGATGAAGGAAATGGAGGAAGAGATGGTGGCTTGAC[T>G]GATGCAGGAGGCTCATTCATCTGTCCCTGTCTGTTTCCCACCTCTGCTGCAGGTGCATGG-3'